The following is an entry in ClinVar:

ClinVar aggregate classification (germline): Benign (1 of 4 stars; one submission).

gnomAD v4.1: 325 of 398,500 alleles (0.082%); highest among the groups gnomAD compares: Non-Finnish European, 0.13%; 1 homozygote.

Submission:

CeGaT Center for Human Genetics Tuebingen
Classification: Benign. Last evaluated: 2024-11-01. Review status: criteria provided, single submitter. Criteria: CeGaT Center For Human Genetics Tuebingen Variant Classification Criteria Version 2. Collection method: clinical testing. Allele origin: germline. Affected: yes. Observed: 4 variant alleles.
Comment: KCNQ1OT1: BS1, BS2

NM_000218.3(KCNQ1):c.1514+16318C>T

Genes: KCNQ1 (potassium voltage-gated channel subfamily Q member 1; plus strand), KCNQ1OT1 (KCNQ1 opposite strand/antisense transcript 1; minus strand). Cytogenetic location: 11p15.5.
Variant type: single nucleotide variant.
Coding change: c.1514+16318C>T on transcript NM_000218.3 (MANE Select); 16318 bases into the intron after coding-DNA position 1514, C replaced by T.
Molecular consequence: intron variant. On other transcripts: non-coding transcript variant (1).
Genome position (GRCh38, 1-based): chr11:2,678,399, C>T. VCF-style: chr11-2678399-C-T. GRCh37 (hg19) VCF-style: chr11-2699629-C-T.
Other names: c.1244+16318C>T (NM_001406837.1); c.1418+16318C>T (NM_001406836.1); c.974+16318C>T (NM_001406838.1); c.1133+16318C>T (NM_181798.2).
Identifiers: ClinVar variation 3341919 (VCV003341919.16).
Genomic context (GRCh38, chr11:2,678,399, plus strand): 5'-CTTGCTTTATCGGGATTTTGACAGAGTAATTAAATCCAATTTGGTTTCCCATATATTTGT[C>T]CAGTTGTCCAACACTATTTATTTGAGTACATCATCATCTCTCTACTAATTTCAACTGCTA-3'